The following is an entry in ClinVar:

NM_005120.3(MED12):c.3129del (p.Ser1044fs)

Gene: MED12 (mediator complex subunit 12; plus strand). Cytogenetic location: Xq13.1.
Variant type: Deletion.
Coding change: c.3129del on transcript NM_005120.3 (MANE Select); coding-DNA position 3129, one base deleted (T; older notation c.3129delT).
Protein change: p.Ser1044fs; shifts the reading frame from serine 1044.
Molecular consequence: frameshift variant.
Genome position (GRCh38, 1-based): chrX:71,128,040, T deleted; the last of 2 consecutive T bases (chrX:71,128,039-71,128,040); deleting either gives the same sequence. VCF-style (leftmost placement, unchanged base first): chrX-71128038-CT-C. GRCh37 (hg19) VCF-style: chrX-70347888-CT-C.
Other names: short protein forms S1044fs.
Identifiers: ClinVar variation 3382729 (VCV003382729.2).

ClinVar aggregate classification (germline): Pathogenic (1 of 4 stars; one submission).

Conditions:
FG syndrome 1 (OKS). Also called: OPITZ-KAVEGGIA SYNDROME; KELLER SYNDROME; MENTAL RETARDATION, LARGE HEAD, IMPERFORATE ANUS, CONGENITAL HYPOTONIA, AND PARTIAL AGENESIS OF CORPUS CALLOSUM; FG Syndrome Type 1 (FGS1). Identifiers: Orphanet 93932, MedGen C5399762, MONDO:0010590, OMIM 305450.
X-linked intellectual disability with marfanoid habitus. Also called: Lujan Syndrome; X-linked mental retardation with marfanoid habitus syndrome; Lujan Syndrome (LS); INTELLECTUAL DEVELOPMENTAL DISORDER, X-LINKED, SYNDROMIC, LUJAN-FRYNS TYPE. Identifiers: Orphanet 776, MedGen C0796022, MONDO:0010655, OMIM 309520.
Cholestasis-pigmentary retinopathy-cleft palate syndrome (HDKR). Also called: Hardikar Syndrome (HS). Identifiers: Orphanet 1415, MedGen C0795969, MeSH C535632, MONDO:0012997, OMIM 301068.
Blepharophimosis - intellectual disability syndrome, MKB type. Also called: BLEPHAROPHIMOSIS-MENTAL RETARDATION SYNDROME, MAAT-KIEVIT-BRUNNER TYPE; Ohdo syndrome, X-linked; X-Linked Ohdo Syndrome (XLOS). Identifiers: Orphanet 293707, MedGen C3698541, MONDO:0010477, OMIM 300895.

Submission:

Juno Genomics, Hangzhou Juno Genomics, Inc
Classification: Pathogenic for Cholestasis-pigmentary retinopathy-cleft palate syndrome; X-linked intellectual disability with marfanoid habitus; Blepharophimosis - intellectual disability syndrome, MKB type; FG syndrome 1. Review status: criteria provided, single submitter. Criteria: ACMG Guidelines, 2015. Collection method: clinical testing. Allele origin: germline. Affected: yes.
Comment: Absent from controls (or at extremely low frequency if recessive) in Genome Aggregation Database, Exome Sequencing Project, 1000 Genomes Project, or Exome Aggregation Consortium.;Null variant in a gene where loss of function (LOF) is a known mechanism of disease.;De novo (both maternity and paternity confirmed) in a patient with the disease and no family history.